The following is an entry in ClinVar:

NM_003803.4(MYOM1):c.1967T>C (p.Leu656Pro)

Gene: MYOM1 (myomesin 1; minus strand). Cytogenetic location: 18p11.31.
Variant type: single nucleotide variant.
Coding change: c.1967T>C on transcript NM_003803.4 (MANE Select); coding-DNA position 1967, T replaced by C.
Protein change: p.Leu656Pro; replaces leucine 656 with proline.
Molecular consequence: missense variant.
Genome position (GRCh38, 1-based): chr18:3,141,997, A>G on the plus strand (T>C on the coding strand, the complement: MYOM1 is on the minus strand). VCF-style: chr18-3141997-A-G. GRCh37 (hg19) VCF-style: chr18-3141995-A-G.
Other names: c.1967T>C, p.Leu656Pro (NM_019856.2); c.1967T>C (NM_003803.3); short protein forms L656P.
Identifiers: ClinVar variation 1022613 (VCV001022613.10), dbSNP rs764958355, ClinGen allele CA8874785.

ClinVar aggregate classification (germline): Uncertain significance. Review status: criteria provided, multiple submitters, no conflicts (2 of 4 stars). 2 submissions from 2 submitters: Uncertain significance (2). Last evaluated 2023-03-21.

Conditions:
Hypertrophic cardiomyopathy. Also called: HYPERTROPHIC MYOCARDIOPATHY. Identifiers: Orphanet 217569, MedGen C0007194, MeSH D002312, MONDO:0005045, HP:0001639.

Allele frequency attached by ClinVar (database versions not stated): gnomAD exomes 0.00001; ExAC 0.00002; TOPMed 0.00002; gnomAD 0.00003.
gnomAD v4.1: 12 of 1,613,590 alleles (0.00074%); highest among the groups gnomAD compares: Non-Finnish European, 0.00085%; no homozygotes.

Submissions (2):

Ambry Genetics
Classification: Uncertain significance. Last evaluated: 2023-03-21. Review status: criteria provided, single submitter. Criteria: Ambry Variant Classification Scheme 2023. Collection method: clinical testing. Allele origin: germline.
Comment: The p.L656P variant (also known as c.1967T>C), located in coding exon 13 of the MYOM1 gene, results from a T to C substitution at nucleotide position 1967. The leucine at codon 656 is replaced by proline, an amino acid with similar properties. This amino acid position is conserved. In addition, this alteration is predicted to be deleterious by in silico analysis. Since supporting evidence is limited at this time, the clinical significance of this alteration remains unclear.

Labcorp Genetics (formerly Invitae), Labcorp
Classification: Uncertain significance for Hypertrophic cardiomyopathy. Last evaluated: 2022-04-05. Review status: criteria provided, single submitter. Criteria: Invitae Variant Classification Sherloc (09022015). Collection method: clinical testing. Allele origin: germline.
Comment: In summary, the available evidence is currently insufficient to determine the role of this variant in disease. Therefore, it has been classified as a Variant of Uncertain Significance. This sequence change replaces leucine, which is neutral and non-polar, with proline, which is neutral and non-polar, at codon 656 of the MYOM1 protein (p.Leu656Pro). Algorithms developed to predict the effect of missense changes on protein structure and function are either unavailable or do not agree on the potential impact of this missense change (SIFT: "Tolerated"; PolyPhen-2: "Probably Damaging"; Align-GVGD: "Class C0"). ClinVar contains an entry for this variant (Variation ID: 1022613). This variant has not been reported in the literature in individuals affected with MYOM1-related conditions. This variant is present in population databases (rs764958355, gnomAD 0.003%).